The following is an entry in ClinVar:

NC_000019.10:g.55166633C>G

Genes: DNAAF3 (dynein axonemal assembly factor 3; minus strand), DNAAF3-AS1 (DNAAF3 antisense RNA 1; plus strand). Cytogenetic location: 19q13.42.
Variant type: single nucleotide variant.
Molecular consequence: missense variant (on NM_001256714.1).
Genome position: GRCh38 VCF-style: chr19-55166633-C-G. GRCh37 (hg19) VCF-style: chr19-55678001-C-G.
Other names: c.16G>C, p.Asp6His (NM_001256714.1, NM_178837.4); short protein forms D6H.
Identifiers: ClinVar variation 1011965 (VCV001011965.8), dbSNP rs774308391, ClinGen allele CA9668332.

ClinVar aggregate classification (germline): Conflicting classifications of pathogenicity. Review status: criteria provided, conflicting classifications (1 of 4 stars). 2 submissions from 2 submitters: Uncertain significance (1); Likely benign (1). Last evaluated 2025-05-12.

Conditions:
Primary ciliary dyskinesia. Also called: Ciliary dyskinesia. Identifiers: Orphanet 244, MedGen C0008780, MONDO:0016575, HP:0012265.

Allele frequency attached by ClinVar (database versions not stated): TOPMed 0.00006; ExAC 0.00003; gnomAD exomes 0.00003; gnomAD 0.00005.
gnomAD v4.1: 106 of 1,613,548 alleles (0.0066%); highest among the groups gnomAD compares: Non-Finnish European, 0.0073%; no homozygotes.

Submissions (2):

Ambry Genetics
Classification: Likely benign for Primary ciliary dyskinesia. Last evaluated: 2025-05-12. Review status: criteria provided, single submitter. Criteria: Ambry Variant Classification Scheme 2023. Collection method: clinical testing. Allele origin: germline.

Labcorp Genetics (formerly Invitae), Labcorp
Classification: Uncertain significance for Primary ciliary dyskinesia. Last evaluated: 2021-08-26. Review status: criteria provided, single submitter. Criteria: Invitae Variant Classification Sherloc (09022015). Collection method: clinical testing. Allele origin: germline.
Comment: This sequence change replaces aspartic acid with histidine at codon 6 of the DNAAF3 protein (p.Asp6His). The aspartic acid residue is weakly conserved and there is a moderate physicochemical difference between aspartic acid and histidine. This variant is present in population databases (rs774308391, ExAC 0.006%). This variant has not been reported in the literature in individuals affected with DNAAF3-related conditions. Algorithms developed to predict the effect of missense changes on protein structure and function are either unavailable or do not agree on the potential impact of this missense change (SIFT: "Deleterious"; PolyPhen-2: "Probably Damaging"; Align-GVGD: "Class C0"). In summary, the available evidence is currently insufficient to determine the role of this variant in disease. Therefore, it has been classified as a Variant of Uncertain Significance.

Literature cited by the submitters: PubMed 29444099 (cited by Ambry Genetics).